The following is an entry in ClinVar:

ClinVar aggregate classification (germline): Uncertain significance (1 of 4 stars; one submission).

Allele frequency attached by ClinVar (database versions not stated): gnomAD exomes 0.00001; TOPMed 0.00002.
gnomAD v4.1: 10 of 1,613,884 alleles (0.00062%); highest among the groups gnomAD compares: South Asian, 0.0011%; no homozygotes.

Submission:

Labcorp Genetics (formerly Invitae), Labcorp
Classification: Uncertain significance. Last evaluated: 2026-01-26. Review status: criteria provided, single submitter. Criteria: Invitae Variant Classification Sherloc (09022015). Collection method: clinical testing. Allele origin: germline.
Comment: This sequence change replaces arginine, which is basic and polar, with tryptophan, which is neutral and slightly polar, at codon 1560 of the SCN3A protein (p.Arg1560Trp). This variant is present in population databases (no rsID available, gnomAD 0.002%). This variant has not been reported in the literature in individuals affected with SCN3A-related conditions. ClinVar contains an entry for this variant (Variation ID: 646631). Invitae Evidence Modeling of protein sequence and biophysical properties (such as structural, functional, and spatial information, amino acid conservation, physicochemical variation, residue mobility, and thermodynamic stability) indicates that this missense variant is not expected to disrupt SCN3A protein function with a negative predictive value of 80%. Experimental studies have shown that this missense change affects SCN3A function (PMID: 23818614). In summary, the available evidence is currently insufficient to determine the role of this variant in disease. Therefore, it has been classified as a Variant of Uncertain Significance.

Literature cited by the submitters: PubMed 23818614.

NM_006922.4(SCN3A):c.4678C>T (p.Arg1560Trp)

Gene: SCN3A (sodium voltage-gated channel alpha subunit 3; minus strand). Cytogenetic location: 2q24.3.
Variant type: single nucleotide variant.
Coding change: c.4678C>T on transcript NM_006922.4 (MANE Select); coding-DNA position 4678, C replaced by T.
Protein change: p.Arg1560Trp; replaces arginine 1560 with tryptophan.
Molecular consequence: missense variant.
Genome position (GRCh38, 1-based): chr2:165,092,383, G>A on the plus strand (C>T on the coding strand, the complement: SCN3A is on the minus strand). VCF-style: chr2-165092383-G-A. GRCh37 (hg19) VCF-style: chr2-165948893-G-A.
Other names: c.4531C>T, p.Arg1511Trp (NM_001081676.2, NM_001081677.2); short protein forms R1511W, R1560W.
Identifiers: ClinVar variation 646631 (VCV000646631.8), dbSNP rs1410775973, ClinGen allele CA349019073.
Genomic context (GRCh38, chr2:165,092,383, plus strand): 5'-GGGAGACGAGCTTCAGCACAAATTCTCCAGTGAACAGAACAATGAACACTAGGTTGATCC[G>A]GGACAAAACTAGGGTCATGTATTTGCCCTGGTCATCCGTTTCCACCATCATGGTGACCAT-3'
Protein context (NP_008853.3, residues 1550-1570): QGKYMTLVLS[Arg1560Trp]INLVFIVLFT